The following is an entry in ClinVar:

ClinVar aggregate classification (germline): Likely benign (1 of 4 stars; one submission).

Allele frequency attached by ClinVar (database versions not stated): gnomAD exomes below 0.00001.
gnomAD v4.1: 3 of 1,612,226 alleles (0.00019%); highest among the groups gnomAD compares: Non-Finnish European, 0.00025%; no homozygotes.

Submission:

GeneDx
Classification: Likely benign. Last evaluated: 2017-11-08. Review status: criteria provided, single submitter. Criteria: GeneDx Variant Classification (06012015). Collection method: clinical testing. Allele origin: germline. Affected: yes.
Comment: This variant is considered likely benign or benign based on one or more of the following criteria: it is a conservative change, it occurs at a poorly conserved position in the protein, it is predicted to be benign by multiple in silico algorithms, and/or has population frequency not consistent with disease.

NM_001110219.3(GJB6):c.63G>A (p.Gly21=)

Gene: GJB6 (gap junction protein beta 6; minus strand). Cytogenetic location: 13q12.11.
Variant type: single nucleotide variant.
Coding change: c.63G>A on transcript NM_001110219.3 (MANE Select); coding-DNA position 63, G replaced by A.
Protein change: p.Gly21=; no amino-acid change (glycine 21 retained).
Molecular consequence: synonymous variant.
Genome position (GRCh38, 1-based): chr13:20,223,418, C>T on the plus strand (G>A on the coding strand, the complement: GJB6 is on the minus strand). VCF-style: chr13-20223418-C-T. GRCh37 (hg19) VCF-style: chr13-20797557-C-T.
Other names: c.63G>A, p.Gly21= (NM_001110220.3, NM_001110221.3, NM_001370090.1 and 3 more transcripts).
Identifiers: ClinVar variation 512818 (VCV000512818.1), dbSNP rs1555343656, ClinGen allele CA483154567.